The following is an entry in ClinVar:

ClinVar aggregate classification (germline): Likely pathogenic (1 of 4 stars; one submission).

Conditions:
Autosomal recessive limb-girdle muscular dystrophy type 2J (LGMDR10). Also called: Limb-girdle muscular dystrophy, type 2J; MUSCULAR DYSTROPHY, LIMB-GIRDLE, AUTOSOMAL RECESSIVE 10. Identifiers: Orphanet 140922, MedGen C1837342, MONDO:0012127, OMIM 608807.
Dilated cardiomyopathy 1G (CMD1G). Identifiers: Orphanet 154, MedGen C1858763, MONDO:0011400, OMIM 604145.

Submission:

Labcorp Genetics (formerly Invitae), Labcorp
Classification: Likely pathogenic for Dilated cardiomyopathy 1G; Autosomal recessive limb-girdle muscular dystrophy type 2J. Last evaluated: 2024-02-16. Review status: criteria provided, single submitter. Criteria: Invitae Variant Classification Sherloc (09022015). Collection method: clinical testing. Allele origin: germline.
Comment: This sequence change creates a premature translational stop signal (p.Tyr31864*) in the TTN gene. While this is not anticipated to result in nonsense mediated decay, it is expected to create a truncated TTN protein. This variant is not present in population databases (gnomAD no frequency). This variant has not been reported in the literature in individuals affected with TTN-related conditions. This variant is located in the A band of TTN (PMID: 25589632). Truncating variants in this region are significantly overrepresented in patients affected with dilated cardiomyopathy (PMID: 25589632). Truncating variants in this region have also been reported in individuals affected with autosomal recessive centronuclear myopathy (PMID: 23975875). In summary, the currently available evidence indicates that the variant is pathogenic, but additional data are needed to prove that conclusively. Therefore, this variant has been classified as Likely Pathogenic.

Literature cited by the submitters: PubMed 25589632; PubMed 23975875.

NM_001267550.2(TTN):c.95584_95591dup (p.Tyr31864Ter)

Genes: TTN (titin; minus strand), TTN-AS1 (TTN antisense RNA 1; plus strand). Cytogenetic location: 2q31.2.
Variant type: Duplication.
Coding change: c.95584_95591dup on transcript NM_001267550.2 (MANE Select); coding-DNA positions 95584 to 95591, 8 bases duplicated (GTGGTGTA; older notation c.95584_95591dupGTGGTGTA).
Protein change: p.Tyr31864Ter; replaces tyrosine 31864 with a stop codon.
Molecular consequence: nonsense.
Genome position (GRCh38, 1-based): chr2:178,545,519-178,545,526, TACACCAC duplicated on the plus strand (GTGGTGTA on the coding strand, the reverse complement: TTN is on the minus strand). VCF-style (leftmost placement, unchanged base first): chr2-178545518-A-ATACACCAC. GRCh37 (hg19) VCF-style: chr2-179410245-A-ATACACCAC.
Other names: c.90661_90668dup, p.Tyr30223Ter (NM_001256850.1); c.68389_68396dup, p.Tyr22799Ter (NM_003319.4); c.87880_87887dup, p.Tyr29296Ter (NM_133378.4); c.68764_68771dup, p.Tyr22924Ter (NM_133432.3); c.68965_68972dup, p.Tyr22991Ter (NM_133437.4); short protein forms Y22799*, Y22924*, Y22991*, Y29296*, Y30223*, Y31864*.
Identifiers: ClinVar variation 3754695 (VCV003754695.2).